The following is an entry in ClinVar:

ClinVar aggregate classification (germline): Uncertain significance (1 of 4 stars; one submission).

gnomAD v4.1: 8 of 1,598,456 alleles (0.0005%); highest among the groups gnomAD compares: Non-Finnish European, 0.00068%; no homozygotes.

Submission:

Labcorp Genetics (formerly Invitae), Labcorp
Classification: Uncertain significance. Last evaluated: 2021-08-14. Review status: criteria provided, single submitter. Criteria: Invitae Variant Classification Sherloc (09022015). Collection method: clinical testing. Allele origin: germline.
Comment: This sequence change replaces arginine with glycine at codon 345 of the CWC27 protein (p.Arg345Gly). The arginine residue is weakly conserved and there is a moderate physicochemical difference between arginine and glycine. This variant is not present in population databases (ExAC no frequency). This variant has not been reported in the literature in individuals affected with CWC27-related conditions. Algorithms developed to predict the effect of missense changes on protein structure and function output the following: SIFT: "Tolerated"; PolyPhen-2: "Benign"; Align-GVGD: "Class C0". The glycine amino acid residue is found in multiple mammalian species, which suggests that this missense change does not adversely affect protein function. In summary, the available evidence is currently insufficient to determine the role of this variant in disease. Therefore, it has been classified as a Variant of Uncertain Significance.

NM_005869.4(CWC27):c.1033A>G (p.Arg345Gly)

Gene: CWC27 (CWC27 spliceosome associated cyclophilin; plus strand). Cytogenetic location: 5q12.3.
Variant type: single nucleotide variant.
Coding change: c.1033A>G on transcript NM_005869.4 (MANE Select); coding-DNA position 1033, A replaced by G.
Protein change: p.Arg345Gly; replaces arginine 345 with glycine.
Molecular consequence: missense variant.
Genome position (GRCh38, 1-based): chr5:64,885,537, A>G. VCF-style: chr5-64885537-A-G. GRCh37 (hg19) VCF-style: chr5-64181364-A-G.
Other names: c.1033A>G, p.Arg345Gly (NM_001297644.1, NM_001364478.1); short protein forms R345G.
Identifiers: ClinVar variation 1364699 (VCV001364699.5), dbSNP rs952945840, ClinGen allele CA120327840.
Genomic context (GRCh38, chr5:64,885,537, plus strand): 5'-CGGGAACTCTTAGCAGCAAAACAAAAAAAAGTAGAAAATGCAGCAAAACAAGCAGAAAAA[A>G]GAAGTGAAGGTAAGGGCATTTATCACGCTTATTTTTTCACTTGATACTCCTCCTTCTCTG-3'
Protein context (NP_005860.2, residues 335-355): VENAAKQAEK[Arg345Gly]SEEEEAPPDG